The following is an entry in ClinVar:

ClinVar aggregate classification (germline): Uncertain significance (1 of 4 stars; one submission).

Allele frequency attached by ClinVar (database versions not stated): TOPMed below 0.00001; gnomAD exomes 0.00004 and 0.00007; ExAC 0.00031.
gnomAD v4.1: 20 of 1,550,092 alleles (0.0013%); highest among the groups gnomAD compares: South Asian, 0.024%; no homozygotes.

Submission:

GeneDx
Classification: Uncertain significance. Last evaluated: 2023-11-02. Review status: criteria provided, single submitter. Criteria: GeneDx Variant Classification Process June 2021. Collection method: clinical testing. Allele origin: germline. Affected: yes.
Comment: Intronic variant directly or indirectly altering the +5 splice site in a gene for which loss of function is a known mechanism of disease, and splice predictors support a deleterious effect; Has not been previously published as pathogenic or benign to our knowledge

NM_001292063.2(OTOG):c.1644+5G>C

Gene: OTOG (otogelin; plus strand). Cytogenetic location: 11p15.1.
Variant type: single nucleotide variant.
Coding change: c.1644+5G>C on transcript NM_001292063.2 (MANE Select); 5 bases into the intron after coding-DNA position 1644, G replaced by C.
Molecular consequence: intron variant.
Genome position (GRCh38, 1-based): chr11:17,561,812, G>C. VCF-style: chr11-17561812-G-C. GRCh37 (hg19) VCF-style: chr11-17583359-G-C.
Other names: c.1680+5G>C (NM_001277269.2).
Identifiers: ClinVar variation 1187185 (VCV001187185.3), dbSNP rs770129150, ClinGen allele CA5905513.